The following is an entry in ClinVar:

NM_017946.4(FKBP14):c.350G>A (p.Gly117Asp)

Genes: FKBP14-AS1 (FKBP14 antisense RNA 1; plus strand), FKBP14 (FKBP prolyl isomerase 14; minus strand). Cytogenetic location: 7p14.3.
Variant type: single nucleotide variant.
Coding change: c.350G>A on transcript NM_017946.4 (MANE Select); coding-DNA position 350, G replaced by A.
Protein change: p.Gly117Asp; replaces glycine 117 with aspartic acid.
Molecular consequence: missense variant. On other transcripts: non-coding transcript variant (2).
Genome position (GRCh38, 1-based): chr7:30,019,123, C>T on the plus strand (G>A on the coding strand, the complement: FKBP14 is on the minus strand). VCF-style: chr7-30019123-C-T. GRCh37 (hg19) VCF-style: chr7-30058739-C-T.
Other names: short protein forms G117D.
Identifiers: ClinVar variation 3618055 (VCV003618055.2).

ClinVar aggregate classification (germline): Uncertain significance (1 of 4 stars; one submission).

Conditions:
Ehlers-Danlos syndrome, kyphoscoliotic type, 2. Also called: Ehlers-Danlos syndrome, kyphoscoliotic and deafness type; FKBP14-Kyphoscoliotic Ehlers-Danlos Syndrome; Ehlers-Danlos syndrome with progressive kyphoscoliosis, myopathy, and hearing loss. Identifiers: Orphanet 300179, MedGen C3281160, MONDO:0013800, OMIM 614557.

Submission:

Labcorp Genetics (formerly Invitae), Labcorp
Classification: Uncertain significance for Ehlers-Danlos syndrome, kyphoscoliotic type, 2. Last evaluated: 2024-09-11. Review status: criteria provided, single submitter. Criteria: Invitae Variant Classification Sherloc (09022015). Collection method: clinical testing. Allele origin: germline.
Comment: This sequence change replaces glycine, which is neutral and non-polar, with aspartic acid, which is acidic and polar, at codon 117 of the FKBP14 protein (p.Gly117Asp). This variant is present in population databases (rs548334400, gnomAD 0.001%). This variant has not been reported in the literature in individuals affected with FKBP14-related conditions. An algorithm developed to predict the effect of missense changes on protein structure and function (PolyPhen-2) suggests that this variant is likely to be disruptive. In summary, the available evidence is currently insufficient to determine the role of this variant in disease. Therefore, it has been classified as a Variant of Uncertain Significance.